The following is an entry in ClinVar:

ClinVar aggregate classification (germline): Uncertain significance (1 of 4 stars; one submission).

Conditions:
Alpha-N-acetylgalactosaminidase deficiency type 1. Also called: SCHINDLER DISEASE, TYPE I; NAGA DEFICIENCY, TYPE I; NEUROAXONAL DYSTROPHY, SCHINDLER TYPE; ALPHA-N-ACETYLGALACTOSAMINIDASE DEFICIENCY, TYPE I. Identifiers: Orphanet 3137, Orphanet 79279, Orphanet 79281, MedGen C1836544, MONDO:0012221, OMIM 609241.

Allele frequency attached by ClinVar (database versions not stated): gnomAD exomes below 0.00001.
gnomAD v4.1: 3 of 1,614,166 alleles (0.00019%); highest among the groups gnomAD compares: South Asian, 0.0022%; no homozygotes.

Submission:

Labcorp Genetics (formerly Invitae), Labcorp
Classification: Uncertain significance for Alpha-N-acetylgalactosaminidase deficiency type 1. Last evaluated: 2022-01-06. Review status: criteria provided, single submitter. Criteria: Invitae Variant Classification Sherloc (09022015). Collection method: clinical testing. Allele origin: germline.
Comment: This sequence change replaces arginine, which is basic and polar, with histidine, which is basic and polar, at codon 35 of the NAGA protein (p.Arg35His). This variant is not present in population databases (gnomAD no frequency). This variant has not been reported in the literature in individuals affected with NAGA-related conditions. ClinVar contains an entry for this variant (Variation ID: 1000987). Algorithms developed to predict the effect of missense changes on protein structure and function are either unavailable or do not agree on the potential impact of this missense change (SIFT: "Deleterious"; PolyPhen-2: "Benign"; Align-GVGD: "Class C0"). In summary, the available evidence is currently insufficient to determine the role of this variant in disease. Therefore, it has been classified as a Variant of Uncertain Significance.

NM_000262.3(NAGA):c.104G>A (p.Arg35His)

Genes: NAGA (alpha-N-acetylgalactosaminidase; minus strand), LOC126863160 (CDK7 strongly-dependent group 2 enhancer GRCh37_chr22:42462918-42464117; plus strand). Cytogenetic location: 22q13.2.
Variant type: single nucleotide variant.
Coding change: c.104G>A on transcript NM_000262.3 (MANE Select); coding-DNA position 104, G replaced by A.
Protein change: p.Arg35His; replaces arginine 35 with histidine.
Molecular consequence: missense variant.
Genome position (GRCh38, 1-based): chr22:42,068,487, C>T on the plus strand (G>A on the coding strand, the complement: NAGA is on the minus strand). VCF-style: chr22-42068487-C-T. GRCh37 (hg19) VCF-style: chr22-42464491-C-T.
Other names: c.104G>A, p.Arg35His (NM_001362848.1, NM_001362850.1); short protein forms R35H.
Identifiers: ClinVar variation 1000987 (VCV001000987.6), dbSNP rs1926874320, ClinGen allele CA411769516.